The following is an entry in ClinVar:

ClinVar aggregate classification (germline): Uncertain significance (1 of 4 stars; one submission).

Submission:

Labcorp Genetics (formerly Invitae), Labcorp
Classification: Uncertain significance. Last evaluated: 2025-03-03. Review status: criteria provided, single submitter. Criteria: Invitae Variant Classification Sherloc (09022015). Collection method: clinical testing. Allele origin: germline.
Comment: This sequence change replaces aspartic acid, which is acidic and polar, with glutamic acid, which is acidic and polar, at codon 262 of the POLE protein (p.Asp262Glu). This variant is not present in population databases (gnomAD no frequency). This variant has not been reported in the literature in individuals affected with POLE-related conditions. Invitae Evidence Modeling of protein sequence and biophysical properties (such as structural, functional, and spatial information, amino acid conservation, physicochemical variation, residue mobility, and thermodynamic stability) indicates that this missense variant is not expected to disrupt POLE protein function with a negative predictive value of 80%. In summary, the available evidence is currently insufficient to determine the role of this variant in disease. Therefore, it has been classified as a Variant of Uncertain Significance.

NM_006231.4(POLE):c.786C>G (p.Asp262Glu)

Gene: POLE (DNA polymerase epsilon, catalytic subunit; minus strand). Cytogenetic location: 12q24.33.
Variant type: single nucleotide variant.
Coding change: c.786C>G on transcript NM_006231.4 (MANE Select); coding-DNA position 786, C replaced by G.
Protein change: p.Asp262Glu; replaces aspartic acid 262 with glutamic acid.
Molecular consequence: missense variant.
Genome position (GRCh38, 1-based): chr12:132,677,378, G>C on the plus strand (C>G on the coding strand, the complement: POLE is on the minus strand). VCF-style: chr12-132677378-G-C. GRCh37 (hg19) VCF-style: chr12-133253964-G-C.
Other names: short protein forms D262E.
Identifiers: ClinVar variation 4779031 (VCV004779031.1).